The following is an entry in ClinVar:

ClinVar aggregate classification (germline): Conflicting classifications of pathogenicity. Review status: criteria provided, conflicting classifications (1 of 4 stars). 3 submissions from 3 submitters: Uncertain significance (1); Likely benign (1). 1 of the submissions does not count toward it. Last evaluated 2024-07-12.

Conditions:
FRMPD4-related disorder. Also called: FRMPD4-related condition.

Allele frequency attached by ClinVar (database versions not stated): gnomAD exomes 0.00001.
gnomAD v4.1: 8 of 963,854 alleles (0.00083%); highest among the groups gnomAD compares: Non-Finnish European, 0.0011%; no homozygotes.

Submissions (3):

Women's Health and Genetics/Laboratory Corporation of America, LabCorp
Classification: Likely benign. Last evaluated: 2024-07-12. Review status: criteria provided, single submitter. Criteria: LabCorp Variant Classification Summary - May 2015. Collection method: clinical testing. Allele origin: germline.

Genetic Services Laboratory, University of Chicago
Classification: Uncertain significance. Last evaluated: 2017-04-03. Review status: criteria provided, single submitter. Criteria: ACMG Guidelines, 2015. Collection method: clinical testing. Allele origin: germline. Affected: no.

PreventionGenetics, part of Exact Sciences
Classification: Likely benign for FRMPD4-related condition. Last evaluated: 2020-04-01. Review status: no assertion criteria provided. Collection method: clinical testing. Allele origin: germline. Not counted in ClinVar's aggregate classification.
Comment: This variant is classified as likely benign based on ACMG/AMP sequence variant interpretation guidelines (Richards et al. 2015 PMID: 25741868, with internal and published modifications).

NM_001368397.1(FRMPD4):c.42-9C>A

Gene: FRMPD4 (FERM and PDZ domain containing 4; plus strand). Cytogenetic location: Xp22.2.
Variant type: single nucleotide variant.
Coding change: c.42-9C>A on transcript NM_001368397.1 (MANE Select); 9 bases into the intron before coding-DNA position 42, C replaced by A.
Molecular consequence: intron variant.
Genome position (GRCh38, 1-based): chrX:12,498,671, C>A. VCF-style: chrX-12498671-C-A. GRCh37 (hg19) VCF-style: chrX-12516790-C-A.
Other names: c.153-9C>A (NM_001368398.3, NM_001368395.3); c.18-9C>A (NM_001368402.3, NM_001368401.1); c.-79-9C>A (NM_001368400.3); c.33-9C>A (NM_001368399.3); c.42-9C>A (NM_014728.3, NM_001368396.3).
Identifiers: ClinVar variation 435266 (VCV000435266.9), dbSNP rs765633648, ClinGen allele CA645372674.